The following is an entry in ClinVar:

NM_000301.5(PLG):c.1184G>A (p.Gly395Glu)

Gene: PLG (plasminogen; plus strand). Cytogenetic location: 6q26.
Variant type: single nucleotide variant.
Coding change: c.1184G>A on transcript NM_000301.5 (MANE Select); coding-DNA position 1184, G replaced by A.
Protein change: p.Gly395Glu; replaces glycine 395 with glutamic acid.
Molecular consequence: missense variant.
Genome position (GRCh38, 1-based): chr6:160,722,495, G>A. VCF-style: chr6-160722495-G-A. GRCh37 (hg19) VCF-style: chr6-161143527-G-A.
Other names: short protein forms G395E.
Identifiers: ClinVar variation 3708242 (VCV003708242.3).
Genomic context (GRCh38, chr6:160,722,495, plus strand): 5'-AGGACTGCTACCATGGTGATGGACAGAGCTACCGAGGCACATCCTCCACCACCACCACAG[G>A]AAAGAAGTGTCAGTCTTGGTCATCTATGACACCACACCGGCACCAGAAGACCCCAGAAAA-3'
Protein context (NP_000292.1, residues 385-405): YRGTSSTTTT[Gly395Glu]KKCQSWSSMT

ClinVar aggregate classification (germline): Uncertain significance. Review status: criteria provided, multiple submitters, no conflicts (2 of 4 stars). 2 submissions from 2 submitters: Uncertain significance (2). Last evaluated 2025-08-04.

Conditions:
Inborn genetic diseases. Identifiers: MedGen C0950123, MeSH D030342.

Submissions (2):

Ambry Genetics
Classification: Uncertain significance for Inborn genetic diseases. Last evaluated: 2025-08-04. Review status: criteria provided, single submitter. Criteria: Ambry Variant Classification Scheme 2023. Collection method: clinical testing. Allele origin: germline.

Labcorp Genetics (formerly Invitae), Labcorp
Classification: Uncertain significance. Last evaluated: 2024-12-27. Review status: criteria provided, single submitter. Criteria: Invitae Variant Classification Sherloc (09022015). Collection method: clinical testing. Allele origin: germline.
Comment: This sequence change replaces glycine, which is neutral and non-polar, with glutamic acid, which is acidic and polar, at codon 395 of the PLG protein (p.Gly395Glu). This variant is not present in population databases (gnomAD no frequency). This variant has not been reported in the literature in individuals affected with PLG-related conditions. Invitae Evidence Modeling of protein sequence and biophysical properties (such as structural, functional, and spatial information, amino acid conservation, physicochemical variation, residue mobility, and thermodynamic stability) indicates that this missense variant is not expected to disrupt PLG protein function with a negative predictive value of 80%. In summary, the available evidence is currently insufficient to determine the role of this variant in disease. Therefore, it has been classified as a Variant of Uncertain Significance.